The following is an entry in ClinVar:

NM_052872.4(IL17F):c.137G>A (p.Ser46Asn)

Gene: IL17F (interleukin 17F; minus strand). Cytogenetic location: 6p12.2.
Variant type: single nucleotide variant.
Coding change: c.137G>A on transcript NM_052872.4 (MANE Select); coding-DNA position 137, G replaced by A.
Protein change: p.Ser46Asn; replaces serine 46 with asparagine.
Molecular consequence: missense variant.
Genome position (GRCh38, 1-based): chr6:52,238,847, C>T on the plus strand (G>A on the coding strand, the complement: IL17F is on the minus strand). VCF-style: chr6-52238847-C-T. GRCh37 (hg19) VCF-style: chr6-52103645-C-T.
Other names: short protein forms S46N.
Identifiers: ClinVar variation 2697368 (VCV002697368.3), dbSNP rs1442309467, ClinGen allele CA364445110.

ClinVar aggregate classification (germline): Uncertain significance (1 of 4 stars; one submission).

Conditions:
Candidiasis, familial, 6 (CANDF6). Also called: Candidiasis, familial, 6, autosomal dominant. Identifiers: Orphanet 1334, MedGen C3151405, MONDO:0013503, OMIM 613956.

Allele frequency attached by ClinVar (database versions not stated): gnomAD exomes below 0.00001.
gnomAD v4.1: 6 of 1,614,062 alleles (0.00037%); highest among the groups gnomAD compares: South Asian, 0.0022%; no homozygotes.

Submission:

Labcorp Genetics (formerly Invitae), Labcorp
Classification: Uncertain significance for Candidiasis, familial, 6. Last evaluated: 2023-11-19. Review status: criteria provided, single submitter. Criteria: Invitae Variant Classification Sherloc (09022015). Collection method: clinical testing. Allele origin: germline.
Comment: This sequence change replaces serine, which is neutral and polar, with asparagine, which is neutral and polar, at codon 46 of the IL17F protein (p.Ser46Asn). This variant is present in population databases (no rsID available, gnomAD 0.004%). This variant has not been reported in the literature in individuals affected with IL17F-related conditions. Algorithms developed to predict the effect of missense changes on protein structure and function output the following: SIFT: "Not Available"; PolyPhen-2: "Benign"; Align-GVGD: "Not Available". The asparagine amino acid residue is found in multiple mammalian species, which suggests that this missense change does not adversely affect protein function. In summary, the available evidence is currently insufficient to determine the role of this variant in disease. Therefore, it has been classified as a Variant of Uncertain Significance.